The following is an entry in ClinVar:

NM_004946.3(DOCK2):c.2638C>A (p.Leu880Met)

Gene: DOCK2 (dedicator of cytokinesis 2; plus strand). Cytogenetic location: 5q35.1.
Variant type: single nucleotide variant.
Coding change: c.2638C>A on transcript NM_004946.3 (MANE Select); coding-DNA position 2638, C replaced by A.
Protein change: p.Leu880Met; replaces leucine 880 with methionine.
Molecular consequence: missense variant. On other transcripts: non-coding transcript variant (1).
Genome position (GRCh38, 1-based): chr5:169,803,141, C>A. VCF-style: chr5-169803141-C-A. GRCh37 (hg19) VCF-style: chr5-169230145-C-A.
Other names: c.2638C>A, p.Leu880Met (LRG_1227t1); short protein forms L880M.
Identifiers: ClinVar variation 542612 (VCV000542612.30), dbSNP rs112062072, ClinGen allele CA3553807.
Genomic context (GRCh38, chr5:169,803,141, plus strand): 5'-GTCATCACCAAAGAGCTGAAGGAGCTGCTGGAGCAGAAGGATGACATGCAACACCAGGTC[C>A]TGGAGAGGAAGTACTGCGTTGAATTGCTCAACAGCATCTTGGAAGTCCTTAGCTACCAGG-3'
Protein context (NP_004937.1, residues 870-890): EQKDDMQHQV[Leu880Met]ERKYCVELLN

ClinVar aggregate classification (germline): Conflicting classifications of pathogenicity. Review status: criteria provided, conflicting classifications (1 of 4 stars). 2 submissions from 2 submitters: Uncertain significance (1); Likely benign (1). Last evaluated 2024-01-11.

Conditions:
DOCK2 deficiency. Also called: Immunodeficiency 40. Identifiers: Orphanet 447737, MedGen C4225328, MONDO:0014637, OMIM 616433.

Allele frequency attached by ClinVar (database versions not stated): 1000 Genomes Project 30x 0.00016; 1000 Genomes Project 0.00020; ExAC 0.00035; gnomAD exomes 0.00039; gnomAD 0.00060 and 0.00062; TOPMed 0.00066; ESP Exome Variant Server 0.00077.
gnomAD v4.1: 1,878 of 1,614,154 alleles (0.12%); highest among the groups gnomAD compares: Non-Finnish European, 0.15%; 1 homozygote.

Submissions (3):

Labcorp Genetics (formerly Invitae), Labcorp
Classification: Uncertain significance for DOCK2 deficiency. Last evaluated: 2024-01-11. Review status: criteria provided, single submitter. Criteria: Invitae Variant Classification Sherloc (09022015). Collection method: clinical testing. Allele origin: germline.
Comment: This sequence change replaces leucine, which is neutral and non-polar, with methionine, which is neutral and non-polar, at codon 880 of the DOCK2 protein (p.Leu880Met). This variant is present in population databases (rs112062072, gnomAD 0.08%). This variant has not been reported in the literature in individuals affected with DOCK2-related conditions. ClinVar contains an entry for this variant (Variation ID: 542612). Algorithms developed to predict the effect of missense changes on protein structure and function output the following: SIFT: "Not Available"; PolyPhen-2: "Benign"; Align-GVGD: "Not Available". The methionine amino acid residue is found in multiple mammalian species, which suggests that this missense change does not adversely affect protein function. In summary, the available evidence is currently insufficient to determine the role of this variant in disease. Therefore, it has been classified as a Variant of Uncertain Significance.

CeGaT Center for Human Genetics Tuebingen
Classification: Likely benign. Last evaluated: 2023-11-01. Review status: criteria provided, single submitter. Criteria: CeGaT Center For Human Genetics Tuebingen Variant Classification Criteria Version 2. Collection method: clinical testing. Allele origin: germline. Affected: yes. Observed: 1 variant allele.
Comment: DOCK2: BP4

Dr. Peter K. Rogan Lab, Western University
No classification provided (evidence only). Condition: Pancreatic adenocarcinoma. Review status: no classification provided. Collection method: in vitro. Allele origin: not applicable. Functional consequence: retained intron. Not counted in ClinVar's aggregate classification.